The following is an entry in ClinVar:

ClinVar aggregate classification (germline): Uncertain significance (1 of 4 stars; one submission).

Conditions:
Developmental and epileptic encephalopathy, 21 (DEE21). Also called: Early infantile epileptic encephalopathy 21. Identifiers: Orphanet 442835, MedGen C4014430, MONDO:0014360, OMIM 615833.

Submission:

Labcorp Genetics (formerly Invitae), Labcorp
Classification: Uncertain significance for Developmental and epileptic encephalopathy, 21. Last evaluated: 2019-11-16. Review status: criteria provided, single submitter. Criteria: Invitae Variant Classification Sherloc (09022015). Collection method: clinical testing. Allele origin: germline.
Comment: In summary, the available evidence is currently insufficient to determine the role of this variant in disease. Therefore, it has been classified as a Variant of Uncertain Significance. Algorithms developed to predict the effect of missense changes on protein structure and function are either unavailable or do not agree on the potential impact of this missense change (SIFT: "Deleterious"; PolyPhen-2: "Possibly Damaging"; Align-GVGD: "Class C0"). This variant has not been reported in the literature in individuals with NECAP1-related conditions. This variant is not present in population databases (ExAC no frequency). This sequence change replaces leucine with phenylalanine at codon 251 of the NECAP1 protein (p.Leu251Phe). The leucine residue is moderately conserved and there is a small physicochemical difference between leucine and phenylalanine.

NM_015509.4(NECAP1):c.753G>T (p.Leu251Phe)

Gene: NECAP1 (NECAP endocytosis associated 1; plus strand). Cytogenetic location: 12p13.31.
Variant type: single nucleotide variant.
Coding change: c.753G>T on transcript NM_015509.4 (MANE Select); coding-DNA position 753, G replaced by T.
Protein change: p.Leu251Phe; replaces leucine 251 with phenylalanine.
Molecular consequence: missense variant. On other transcripts: non-coding transcript variant (1).
Genome position (GRCh38, 1-based): chr12:8,095,677, G>T. VCF-style: chr12-8095677-G-T. GRCh37 (hg19) VCF-style: chr12-8248273-G-T.
Other names: short protein forms L251F.
Identifiers: ClinVar variation 971576 (VCV000971576.10), dbSNP rs1947587871, ClinGen allele CA383802617.
Genomic context (GRCh38, chr12:8,095,677, plus strand): 5'-GGATTCTCCTGCTCCTGTCACGACACCAGCACCAACTCCAGTTTCTGTAAGCAATGACTT[G>T]TGGGGAGACTTCAGCACTGCCTCCAGGTAATGGGCATAGTGAAACTAGCATACTCTCAAT-3'
Protein context (NP_056324.2, residues 241-261): APTPVSVSND[Leu251Phe]WGDFSTASSS